The following is an entry in ClinVar:

NM_001005242.3(PKP2):c.558C>T (p.Ala186=)

Gene: PKP2 (plakophilin 2; minus strand). Cytogenetic location: 12p11.21.
Variant type: single nucleotide variant.
Coding change: c.558C>T on transcript NM_001005242.3 (MANE Select); coding-DNA position 558, C replaced by T.
Protein change: p.Ala186=; no amino-acid change (alanine 186 retained).
Molecular consequence: synonymous variant.
Genome position (GRCh38, 1-based): chr12:32,878,322, G>A on the plus strand (C>T on the coding strand, the complement: PKP2 is on the minus strand). VCF-style: chr12-32878322-G-A. GRCh37 (hg19) VCF-style: chr12-33031256-G-A.
Other names: c.558C>T, p.Ala186= (NM_004572.4).
Identifiers: ClinVar variation 179771 (VCV000179771.25), dbSNP rs184522105, ClinGen allele CA012391.

ClinVar aggregate classification (germline): Likely benign. Review status: criteria provided, multiple submitters, no conflicts (2 of 4 stars). 7 submissions from 7 submitters: Likely benign (7). Last evaluated 2025-09-28.

Conditions:
Cardiovascular phenotype. Identifiers: MedGen CN230736.
Cardiomyopathy (CMYO). Also called: Cardiomyopathies. Identifiers: Orphanet 167848, MedGen C0878544, MONDO:0004994, HP:0001638. Inheritance: Various modes of inheritance.
Arrhythmogenic right ventricular cardiomyopathy (ARVD). Also called: Arrhythmogenic cardiomyopathy; Arrhythmogenic Right Ventricular Cardiomyopathy (ARVC); Cardiomyopathy, ARVC; Arrhythmogenic right ventricular dysplasia. Identifiers: Orphanet 247, MedGen C0349788, MeSH D019571, MONDO:0016587. Disease mechanism: loss of function. Inheritance: Various modes of inheritance.
Arrhythmogenic right ventricular dysplasia 9 (ARVD9). Also called: Arrhythmogenic Right Ventricular Dysplasia/Cardiomyopathy 9; ARRHYTHMOGENIC RIGHT VENTRICULAR DYSPLASIA, FAMILIAL, 9. Identifiers: MedGen C1836906, MONDO:0012180, OMIM 609040.

Allele frequency attached by ClinVar (database versions not stated): ExAC 0.00002; gnomAD 0.00002; gnomAD exomes 0.00003; TOPMed 0.00003.
gnomAD v4.1: 18 of 1,610,594 alleles (0.0011%); highest among the groups gnomAD compares: Admixed American, 0.017%; no homozygotes.

Submissions (7):

Labcorp Genetics (formerly Invitae), Labcorp
Classification: Likely benign for Arrhythmogenic right ventricular dysplasia 9. Last evaluated: 2025-09-28. Review status: criteria provided, single submitter. Criteria: Invitae Variant Classification Sherloc (09022015). Collection method: clinical testing. Allele origin: germline.

All of Us Research Program, National Institutes of Health
Classification: Likely benign for Arrhythmogenic right ventricular cardiomyopathy. Last evaluated: 2023-12-18. Review status: criteria provided, single submitter. Criteria: ACMG Guidelines, 2015. Collection method: clinical testing. Allele origin: germline. Inheritance: Autosomal dominant inheritance. Observed: 8 variant alleles, 8 heterozygotes.
Comment: This study involves interpretation of variants in research participants for the purpose of population health screening. Participant phenotype was not available at the time of variant classification. Additional details can be found in publication PMID: 35346344, PMCID: PMC8962531

Ambry Genetics
Classification: Likely benign for Cardiovascular phenotype. Last evaluated: 2022-08-16. Review status: criteria provided, single submitter. Criteria: Ambry Variant Classification Scheme 2023. Collection method: clinical testing. Allele origin: germline.

Women's Health and Genetics/Laboratory Corporation of America, LabCorp
Classification: Likely benign. Last evaluated: 2021-12-26. Review status: criteria provided, single submitter. Criteria: LabCorp Variant Classification Summary - May 2015. Collection method: clinical testing. Allele origin: germline.

GeneDx
Classification: Likely benign. Last evaluated: 2019-09-30. Review status: criteria provided, single submitter. Criteria: GeneDx Variant Classification Process June 2021. Collection method: clinical testing. Allele origin: germline. Affected: yes.

Color Diagnostics, LLC DBA Color Health
Classification: Likely benign for Cardiomyopathy. Last evaluated: 2019-03-11. Review status: criteria provided, single submitter. Criteria: ACMG Guidelines, 2015. Collection method: clinical testing. Allele origin: germline.

Laboratory for Molecular Medicine, Mass General Brigham Personalized Medicine
Classification: Likely benign. Last evaluated: 2014-05-02. Review status: criteria provided, single submitter. Criteria: LMM Criteria. Collection method: clinical testing. Allele origin: germline. Observed: 1 variant allele.
Comment: Ala186Ala in exon 3 of PKP2: This variant is not expected to have clinical signi ficance because it does not alter an amino acid residue and is not located withi n the splice consensus sequence.